The following is an entry in ClinVar:

NM_001084.5(PLOD3):c.1562A>G (p.Tyr521Cys)

Gene: PLOD3 (procollagen-lysine,2-oxoglutarate 5-dioxygenase 3; minus strand). Cytogenetic location: 7q22.1.
Variant type: single nucleotide variant.
Coding change: c.1562A>G on transcript NM_001084.5 (MANE Select); coding-DNA position 1562, A replaced by G.
Protein change: p.Tyr521Cys; replaces tyrosine 521 with cysteine.
Molecular consequence: missense variant.
Genome position (GRCh38, 1-based): chr7:101,210,383, T>C on the plus strand (A>G on the coding strand, the complement: PLOD3 is on the minus strand). VCF-style: chr7-101210383-T-C. GRCh37 (hg19) VCF-style: chr7-100853664-T-C.
Other names: short protein forms Y521C.
Identifiers: ClinVar variation 1430432 (VCV001430432.5), dbSNP rs754177160, ClinGen allele CA4407629.
Genomic context (GRCh38, chr7:101,210,383, plus strand): 5'-CCACTCACGACGGGGTTGTCGAAGATCTGCCAGAGGTCGGGGTGCAGGTGCTCCGTGTCG[T>C]ATCTGGAAGTGGCCAGGAGCCGGCCAAATTCATGCTGATTGCTCAGATGGAGGAAGATGC-3'
Protein context (NP_001075.1, residues 511-531): EFGRLLATSR[Tyr521Cys]DTEHLHPDLW

ClinVar aggregate classification (germline): Uncertain significance (1 of 4 stars; one submission).

Allele frequency attached by ClinVar (database versions not stated): gnomAD 0.00001 and 0.00002; ExAC 0.00002; gnomAD exomes 0.00002; TOPMed 0.00002.
gnomAD v4.1: 37 of 1,614,092 alleles (0.0023%); highest among the groups gnomAD compares: Middle Eastern, 0.033%; no homozygotes.

Submission:

Labcorp Genetics (formerly Invitae), Labcorp
Classification: Uncertain significance. Last evaluated: 2021-09-24. Review status: criteria provided, single submitter. Criteria: Invitae Variant Classification Sherloc (09022015). Collection method: clinical testing. Allele origin: germline.
Comment: This sequence change replaces tyrosine with cysteine at codon 521 of the PLOD3 protein (p.Tyr521Cys). The tyrosine residue is highly conserved and there is a large physicochemical difference between tyrosine and cysteine. This variant is present in population databases (rs754177160, ExAC 0.003%). This variant has not been reported in the literature in individuals with PLOD3-related conditions. Algorithms developed to predict the effect of missense changes on protein structure and function are either unavailable or do not agree on the potential impact of this missense change (SIFT: "Deleterious"; PolyPhen-2: "Possibly Damaging"; Align-GVGD: "Class C15"). In summary, the available evidence is currently insufficient to determine the role of this variant in disease. Therefore, it has been classified as a Variant of Uncertain Significance.